The following is an entry in ClinVar:

ClinVar aggregate classification (germline): Uncertain significance (1 of 4 stars; one submission).

Conditions:
Chédiak-Higashi syndrome (CHS). Also called: Chediak-Higashi Syndrome. Identifiers: Orphanet 167, MedGen C0007965, MONDO:0008963, OMIM 214500.

Allele frequency attached by ClinVar (database versions not stated): gnomAD exomes below 0.00001.
gnomAD v4.1: 6 of 1,613,826 alleles (0.00037%); highest among the groups gnomAD compares: Non-Finnish European, 0.00051%; no homozygotes.

Submission:

Labcorp Genetics (formerly Invitae), Labcorp
Classification: Uncertain significance for Chédiak-Higashi syndrome. Last evaluated: 2022-07-03. Review status: criteria provided, single submitter. Criteria: Invitae Variant Classification Sherloc (09022015). Collection method: clinical testing. Allele origin: germline.
Comment: In summary, the available evidence is currently insufficient to determine the role of this variant in disease. Therefore, it has been classified as a Variant of Uncertain Significance. Algorithms developed to predict the effect of missense changes on protein structure and function are either unavailable or do not agree on the potential impact of this missense change (SIFT: "Deleterious"; PolyPhen-2: "Probably Damaging"; Align-GVGD: "Class C0"). ClinVar contains an entry for this variant (Variation ID: 1351329). This variant has not been reported in the literature in individuals affected with LYST-related conditions. This variant is not present in population databases (gnomAD no frequency). This sequence change replaces tyrosine, which is neutral and polar, with histidine, which is basic and polar, at codon 45 of the LYST protein (p.Tyr45His).

NM_000081.4(LYST):c.133T>C (p.Tyr45His)

Gene: LYST (lysosomal trafficking regulator; minus strand). Cytogenetic location: 1q42.3.
Variant type: single nucleotide variant.
Coding change: c.133T>C on transcript NM_000081.4 (MANE Select); coding-DNA position 133, T replaced by C.
Protein change: p.Tyr45His; replaces tyrosine 45 with histidine.
Molecular consequence: missense variant. On other transcripts: non-coding transcript variant (1).
Genome position (GRCh38, 1-based): chr1:235,830,285, A>G on the plus strand (T>C on the coding strand, the complement: LYST is on the minus strand). VCF-style: chr1-235830285-A-G. GRCh37 (hg19) VCF-style: chr1-235993585-A-G.
Other names: c.133T>C, p.Tyr45His (NM_001301365.1); short protein forms Y45H.
Identifiers: ClinVar variation 1351329 (VCV001351329.5), dbSNP rs2527300776, ClinGen allele CA344968802.
Genomic context (GRCh38, chr1:235,830,285, plus strand): 5'-CCTGATCAATTATAGAATTTAGCTTGGTAAGTAATAGAAATCCTCGACCATGGACAAGGT[A>G]CTGTCCAAGGGTTGCCATGTGCGTCTCCTCCTCTTCTTCCTCCCTGGCCTCCACCCTCTG-3'
Protein context (NP_000072.2, residues 35-55): EETHMATLGQ[Tyr45His]LVHGRGFLLL